The following is an entry in ClinVar:

ClinVar aggregate classification (germline): Uncertain significance. Review status: criteria provided, multiple submitters, no conflicts (2 of 4 stars). 3 submissions from 3 submitters: Uncertain significance (3). Last evaluated 2025-09-15.

Conditions:
Inborn genetic diseases. Identifiers: MedGen C0950123, MeSH D030342.

Allele frequency attached by ClinVar (database versions not stated): gnomAD exomes 0.00003; TOPMed 0.00003; ExAC 0.00004; gnomAD 0.00006; 1000 Genomes Project 30x 0.00016; 1000 Genomes Project 0.00020.

Submissions (3):

Labcorp Genetics (formerly Invitae), Labcorp
Classification: Uncertain significance. Last evaluated: 2025-09-15. Review status: criteria provided, single submitter. Criteria: Invitae Variant Classification Sherloc (09022015). Collection method: clinical testing. Allele origin: germline.
Comment: This sequence change replaces threonine, which is neutral and polar, with methionine, which is neutral and non-polar, at codon 181 of the EFEMP1 protein (p.Thr181Met). This variant is present in population databases (rs573326655, gnomAD 0.008%). This missense change has been observed in individual(s) with clinical features of EFEMP1-related conditions (internal data). ClinVar contains an entry for this variant (Variation ID: 1025086). Invitae Evidence Modeling of protein sequence and biophysical properties (such as structural, functional, and spatial information, amino acid conservation, physicochemical variation, residue mobility, and thermodynamic stability) indicates that this missense variant is not expected to disrupt EFEMP1 protein function with a negative predictive value of 80%. In summary, the available evidence is currently insufficient to determine the role of this variant in disease. Therefore, it has been classified as a Variant of Uncertain Significance.

Ambry Genetics
Classification: Uncertain significance for Inborn genetic diseases. Last evaluated: 2024-08-11. Review status: criteria provided, single submitter. Criteria: Ambry Variant Classification Scheme 2023. Collection method: clinical testing. Allele origin: germline.

Blueprint Genetics
Classification: Uncertain significance. Last evaluated: 2023-12-21. Review status: criteria provided, single submitter. Criteria: ACMG Guidelines, 2015. Collection method: clinical testing. Allele origin: germline.

NM_001039348.3(EFEMP1):c.542C>T (p.Thr181Met)

Gene: EFEMP1 (EGF-like fibulin extracellular matrix protein 1; minus strand). Cytogenetic location: 2p16.1.
Variant type: single nucleotide variant.
Coding change: c.542C>T on transcript NM_001039348.3 (MANE Select); coding-DNA position 542, C replaced by T.
Protein change: p.Thr181Met; replaces threonine 181 with methionine.
Molecular consequence: missense variant.
Genome position (GRCh38, 1-based): chr2:55,881,710, G>A on the plus strand (C>T on the coding strand, the complement: EFEMP1 is on the minus strand). VCF-style: chr2-55881710-G-A. GRCh37 (hg19) VCF-style: chr2-56108845-G-A.
Other names: c.542C>T (NM_001039348.2); c.542C>T, p.Thr181Met (NM_001039349.3); short protein forms T181M.
Identifiers: ClinVar variation 1025086 (VCV001025086.10), dbSNP rs573326655, ClinGen allele CA1668902.